The following is an entry in ClinVar:

NM_001148.6(ANK2):c.11044C>G (p.Leu3682Val)

Gene: ANK2 (ankyrin 2; plus strand). Cytogenetic location: 4q26.
Variant type: single nucleotide variant.
Coding change: c.11044C>G on transcript NM_001148.6 (MANE Select); coding-DNA position 11044, C replaced by G.
Protein change: p.Leu3682Val; replaces leucine 3682 with valine.
Molecular consequence: missense variant.
Genome position (GRCh38, 1-based): chr4:113,367,577, C>G. VCF-style: chr4-113367577-C-G. GRCh37 (hg19) VCF-style: chr4-114288733-C-G.
Other names: c.4603C>G, p.Leu1535Val (NM_001354249.2, NM_001354266.2, NM_001354267.2 and 2 more transcripts); c.4759C>G, p.Leu1587Val (NM_001354252.2, NM_001354239.2); c.4564C>G, p.Leu1522Val (NM_001354253.2, NM_001354270.2); c.4738C>G, p.Leu1580Val (NM_001354254.2); c.4726C>G, p.Leu1576Val (NM_001354255.2, NM_001386143.1, NM_001354243.2); c.4723C>G, p.Leu1575Val (NM_001354256.2, NM_001386161.1, NM_001354244.2); c.4528C>G, p.Leu1510Val (NM_001354257.2, NM_001386156.1); c.4690C>G, p.Leu1564Val (NM_001354258.2, NM_001354228.2); and 35 more; short protein forms L1510V, L1531V, L1550V, L1590V, L1601V, L1611V, L1436V, L1502V.
Identifiers: ClinVar variation 4613542 (VCV004613542.1).

ClinVar aggregate classification (germline): Uncertain significance (1 of 4 stars; one submission).

Conditions:
Cardiovascular phenotype. Identifiers: MedGen CN230736.

gnomAD v4.1: 2 of 1,613,628 alleles (0.00012%); highest among the groups gnomAD compares: African/African-American, 0.0013%; no homozygotes.

Submission:

Ambry Genetics
Classification: Uncertain significance for Cardiovascular phenotype. Last evaluated: 2025-09-17. Review status: criteria provided, single submitter. Criteria: Ambry Variant Classification Scheme 2023. Collection method: clinical testing. Allele origin: germline.
Comment: The p.L3682V variant (also known as c.11044C>G), located in coding exon 42 of the ANK2 gene, results from a C to G substitution at nucleotide position 11044. The leucine at codon 3682 is replaced by valine, an amino acid with highly similar properties. This amino acid position is conserved. In addition, the in silico prediction for this alteration is inconclusive. Based on the available evidence, the clinical significance of this variant remains unclear.